The following is an entry in ClinVar:

NM_001379286.1(ZNF423):c.1756C>A (p.Leu586Met)

Gene: ZNF423 (zinc finger protein 423; minus strand). Cytogenetic location: 16q12.1.
Variant type: single nucleotide variant.
Coding change: c.1756C>A on transcript NM_001379286.1 (MANE Select); coding-DNA position 1756, C replaced by A.
Protein change: p.Leu586Met; replaces leucine 586 with methionine.
Molecular consequence: missense variant.
Genome position (GRCh38, 1-based): chr16:49,637,420, G>T on the plus strand (C>A on the coding strand, the complement: ZNF423 is on the minus strand). VCF-style: chr16-49637420-G-T. GRCh37 (hg19) VCF-style: chr16-49671331-G-T.
Other names: c.1552C>A, p.Leu518Met (NM_001271620.2); c.1381C>A, p.Leu461Met (NM_001330533.2); c.1732C>A, p.Leu578Met (NM_015069.5); short protein forms L578M, L461M, L518M, L586M.
Identifiers: ClinVar variation 1040543 (VCV001040543.8), dbSNP rs1972772369, ClinGen allele CA395846593.

ClinVar aggregate classification (germline): Uncertain significance (1 of 4 stars; one submission).

Conditions:
Nephronophthisis 14 (NPHP14). Identifiers: Orphanet 2318, MedGen C3539071, MONDO:0013916, OMIM 614844.

Submission:

Labcorp Genetics (formerly Invitae), Labcorp
Classification: Uncertain significance for Nephronophthisis 14. Last evaluated: 2022-01-06. Review status: criteria provided, single submitter. Criteria: Invitae Variant Classification Sherloc (09022015). Collection method: clinical testing. Allele origin: germline.
Comment: In summary, the available evidence is currently insufficient to determine the role of this variant in disease. Therefore, it has been classified as a Variant of Uncertain Significance. Algorithms developed to predict the effect of missense changes on protein structure and function are either unavailable or do not agree on the potential impact of this missense change (SIFT: "Deleterious"; PolyPhen-2: "Probably Damaging"; Align-GVGD: "Class C0"). ClinVar contains an entry for this variant (Variation ID: 1040543). This variant has not been reported in the literature in individuals affected with ZNF423-related conditions. This variant is not present in population databases (gnomAD no frequency). This sequence change replaces leucine, which is neutral and non-polar, with methionine, which is neutral and non-polar, at codon 578 of the ZNF423 protein (p.Leu578Met).